The following is an entry in ClinVar:

NM_000512.5(GALNS):c.863A>G (p.Asp288Gly)

Gene: GALNS (galactosamine (N-acetyl)-6-sulfatase; minus strand). Cytogenetic location: 16q24.3.
Variant type: single nucleotide variant.
Coding change: c.863A>G on transcript NM_000512.5 (MANE Select); coding-DNA position 863, A replaced by G.
Protein change: p.Asp288Gly; replaces aspartic acid 288 with glycine.
Molecular consequence: missense variant.
Genome position (GRCh38, 1-based): chr16:88,835,248, T>C on the plus strand (A>G on the coding strand, the complement: GALNS is on the minus strand). VCF-style: chr16-88835248-T-C. GRCh37 (hg19) VCF-style: chr16-88901656-T-C.
Other names: c.308A>G, p.Asp103Gly (NM_001323543.2); c.881A>G, p.Asp294Gly (NM_001323544.2); short protein forms D103G, D288G, D294G.
Identifiers: ClinVar variation 1048424 (VCV001048424.3), dbSNP rs2143001134, ClinGen allele CA397076059.
Genomic context (GRCh38, chr16:88,835,248, plus strand): 5'-GTGAGAAGTGACAGCGAGCACTCACCTTGTTCGGGGGCGGAAATGAGGGCAGCGCCGTTG[T>C]CCGACGTGAAGAAGACGAAGGTGTTGTCCGCGACGTGCAGGTCTTGGAGGAGCTCCAGTA-3'
Protein context (NP_000503.1, residues 278-298): ADNTFVFFTS[Asp288Gly]NGAALISAPE

ClinVar aggregate classification (germline): Uncertain significance (1 of 4 stars; one submission).

Conditions:
Mucopolysaccharidosis, MPS-IV-A (MPS4A). Also called: Mucopolysaccharidosis type IV A; Mucopolysaccharidosis Type IVA; Morquio syndrome A, mild; MORQUIO SYNDROME A; MPS IVA; mucopolysaccharidosis type 4A. Identifiers: Orphanet 309297, Orphanet 582, MedGen C0086651, MONDO:0009659, OMIM 253000.

Allele frequency attached by ClinVar (database versions not stated): gnomAD exomes below 0.00001.
gnomAD v4.1: 1 of 1,605,184 alleles (0.000062%); highest among the groups gnomAD compares: Non-Finnish European, 0.000085%; no homozygotes.

Submission:

Laboratory of Diagnosis and Therapy of Lysosomal Disorders, University of Padova
Classification: Uncertain significance for Mucopolysaccharidosis, MPS-IV-A. Last evaluated: 2021-02-01. Review status: criteria provided, single submitter. Criteria: ACMG Guidelines, 2015. Collection method: curation. Allele origin: germline. Affected: yes.
Comment: Located in a mutational hot spot and/or critical and well-established functional domain without benign variation (PM1_moderate); absent from gnomAD v2.1.1 (PM2_moderate); multiple lines of computational evidence support a deleterious effect on the gene (PP3_supporting)

Literature cited by the submitters: PubMed 27317439; PubMed 34387910.